The following is an entry in ClinVar:

NM_001035.3(RYR2):c.12283G>A (p.Gly4095Ser)

Gene: RYR2 (ryanodine receptor 2; plus strand). Cytogenetic location: 1q43.
Variant type: single nucleotide variant.
Coding change: c.12283G>A on transcript NM_001035.3 (MANE Select); coding-DNA position 12283, G replaced by A.
Protein change: p.Gly4095Ser; replaces glycine 4095 with serine.
Molecular consequence: missense variant.
Genome position (GRCh38, 1-based): chr1:237,783,995, G>A. VCF-style: chr1-237783995-G-A. GRCh37 (hg19) VCF-style: chr1-237947295-G-A.
Other names: p.G4095S:GGC>AGC; c.12283G>A, p.Gly4095Ser (LRG_402t1); short protein forms G4095S.
Identifiers: ClinVar variation 201326 (VCV000201326.14), dbSNP rs753850982, ClinGen allele CA007426.
Genomic context (GRCh38, chr1:237,783,995, plus strand): 5'-AATGAAACCCTCGACTACGAAGAGTTCGTCAAACGCTTCCACGAACCTGCGAAGGACATC[G>A]GCTTCAACGTCGCCGTCCTTCTGACAAACCTCTCTGAGCACATGCCCAACGATACCCGAC-3'
Protein context (NP_001026.2, residues 4085-4105): KRFHEPAKDI[Gly4095Ser]FNVAVLLTNL

ClinVar aggregate classification (germline): Conflicting classifications of pathogenicity. Review status: criteria provided, conflicting classifications (1 of 4 stars). 6 submissions from 6 submitters: Likely pathogenic (1); Uncertain significance (5). Last evaluated 2026-01-16.

Conditions:
Cardiovascular phenotype. Identifiers: MedGen CN230736.
Catecholaminergic polymorphic ventricular tachycardia (CVPT). Also called: Catecholamine-induced polymorphic ventricular tachycardia. Identifiers: Orphanet 3286, MedGen C5574922, MONDO:0017990.
Cardiomyopathy (CMYO). Also called: Cardiomyopathies. Identifiers: Orphanet 167848, MedGen C0878544, MONDO:0004994, HP:0001638. Inheritance: Various modes of inheritance.
Catecholaminergic polymorphic ventricular tachycardia 1. Also called: VENTRICULAR TACHYCARDIA, CATECHOLAMINERGIC POLYMORPHIC, 1, WITH OR WITHOUT ATRIAL DYSFUNCTION AND/OR DILATED CARDIOMYOPATHY; VENTRICULAR TACHYCARDIA, STRESS-INDUCED POLYMORPHIC 1; RYR2-Related Catecholaminergic Polymorphic Ventricular Tachycardia. Identifiers: Orphanet 3286, MedGen C1631597, MONDO:0011484, OMIM 604772.

Allele frequency attached by ClinVar (database versions not stated): TOPMed below 0.00001; ExAC 0.00001; gnomAD 0.00001; gnomAD exomes 0.00001.
gnomAD v4.1: 15 of 1,613,832 alleles (0.00093%); highest among the groups gnomAD compares: South Asian, 0.011%; no homozygotes.

Submissions (6):

Labcorp Genetics (formerly Invitae), Labcorp
Classification: Uncertain significance for Catecholaminergic polymorphic ventricular tachycardia 1. Last evaluated: 2026-01-16. Review status: criteria provided, single submitter. Criteria: Invitae Variant Classification Sherloc (09022015). Collection method: clinical testing. Allele origin: germline.
Comment: This sequence change replaces glycine, which is neutral and non-polar, with serine, which is neutral and polar, at codon 4095 of the RYR2 protein (p.Gly4095Ser). This variant is present in population databases (rs753850982, gnomAD 0.007%). This missense change has been observed in individual(s) with unexplained cardiac arrest (PMID: 35352813). ClinVar contains an entry for this variant (Variation ID: 201326). An algorithm developed to predict the effect of missense changes on protein structure and function outputs the following: PolyPhen-2: "Benign". The serine amino acid residue is found in multiple mammalian species, which suggests that this missense change does not adversely affect protein function. In summary, the available evidence is currently insufficient to determine the role of this variant in disease. Therefore, it has been classified as a Variant of Uncertain Significance.

Color Diagnostics, LLC DBA Color Health
Classification: Uncertain significance for Cardiomyopathy. Last evaluated: 2025-08-11. Review status: criteria provided, single submitter. Criteria: ACMG Guidelines, 2015. Collection method: clinical testing. Allele origin: germline.
Comment: This missense variant replaces glycine with serine at codon 4095 of the RYR2 protein. Computational prediction suggests that this variant may not impact protein structure and function. To our knowledge, functional studies have not been reported for this variant. This variant has not been reported in individuals affected with RYR2-related disorders in the literature. This variant has been identified in 3/247944 chromosomes in the general population by the Genome Aggregation Database (gnomAD). The available evidence is insufficient to determine the role of this variant in disease conclusively. Therefore, this variant is classified as a Variant of Uncertain Significance.

All of Us Research Program, National Institutes of Health
Classification: Uncertain significance for Catecholaminergic polymorphic ventricular tachycardia. Last evaluated: 2023-12-01. Review status: criteria provided, single submitter. Criteria: ACMG Guidelines, 2015. Collection method: clinical testing. Allele origin: germline. Inheritance: Autosomal dominant inheritance. Observed: 3 variant alleles, 3 heterozygotes.
Comment: This missense variant replaces glycine with serine at codon 4095 of the RYR2 protein. Computational prediction suggests that this variant may not impact protein structure and function (internally defined REVEL score threshold <= 0.5, PMID: 27666373). To our knowledge, functional studies have not been reported for this variant. This variant has not been reported in individuals affected with cardiovascular disorders in the literature. This variant has been identified in 3/247944 chromosomes in the general population by the Genome Aggregation Database (gnomAD). The available evidence is insufficient to determine the role of this variant in disease conclusively. Therefore, this variant is classified as a Variant of Uncertain Significance.

This study involves interpretation of variants in research participants for the purpose of population health screening. Participant phenotype was not available at the time of variant classification. Additional details can be found in publication PMID: 35346344, PMCID: PMC8962531

Ambry Genetics
Classification: Uncertain significance for Cardiovascular phenotype. Last evaluated: 2023-02-13. Review status: criteria provided, single submitter. Criteria: Ambry Variant Classification Scheme 2023. Collection method: clinical testing. Allele origin: germline.
Comment: The p.G4095S variant (also known as c.12283G>A), located in coding exon 90 of the RYR2 gene, results from a G to A substitution at nucleotide position 12283. The glycine at codon 4095 is replaced by serine, an amino acid with similar properties. This alteration has been reported in ostensibly healthy population cohorts (Ramensky VE et al. Front Genet, 2021 Oct;12:709419; Bajaj A et al. Hum Genomics, 2022 Aug;16:30). This amino acid position is highly conserved in available vertebrate species. In addition, this alteration is predicted to be tolerated by in silico analysis. Since supporting evidence is limited at this time, the clinical significance of this alteration remains unclear.

Blueprint Genetics
Classification: Uncertain significance. Last evaluated: 2022-10-24. Review status: criteria provided, single submitter. Criteria: ACMG Guidelines, 2015. Collection method: clinical testing. Allele origin: germline.

GeneDx
Classification: Likely pathogenic. Last evaluated: 2012-12-03. Review status: criteria provided, single submitter. Criteria: GeneDx Variant Classification (06012015). Collection method: clinical testing. Allele origin: germline. Affected: yes.
Comment: p.Gly4095Ser (GGC>AGC): c.12283 G>A in exon 90 of the RYR2 gene (NM_001035.2). The Gly4095Ser variant in the RYR2 gene has not been reported as a disease-causing mutation or as a benign polymorphism to our knowledge. Gly4095Ser results in a non-conservative amino acid substitution of a non-polar Glycine with a polar Serine at a position that is conserved across species, and it is located in a mutation hot spot" in the RYR2 gene (Medeiros-Domingo A et al., 2009). Mutations in nearby residues (Ala4091Thr, Ala4091Val, Asn4097Ser) have been reported in association with CPVT, further supporting the functional importance of this region of the protein. In silico analysis predicts Gly4095Ser is probably damaging to the protein structure/function. Furthermore, the NHLBI ESP Exome Variant Server reports Gly4095Ser was not observed in approximately 6,000 samples from individuals of European and African American backgrounds, indicating it is not a common benign variant in these populations. In summary, while Gly4095Ser is a good candidate for a disease-causing mutation, we cannot unequivocally determine the clinical significance of this variant. The variant is found in ARVC panel(s)."

Literature cited by the submitters: PubMed 35352813 (cited by Labcorp Genetics (formerly Invitae), Labcorp); PubMed 34691145 (cited by Ambry Genetics); PubMed 35932045 (cited by Ambry Genetics).